The following is an entry in ClinVar:

NM_000353.3(TAT):c.301C>G (p.Leu101Val)

Gene: TAT (tyrosine aminotransferase; minus strand). Cytogenetic location: 16q22.2.
Variant type: single nucleotide variant.
Coding change: c.301C>G on transcript NM_000353.3 (MANE Select); coding-DNA position 301, C replaced by G.
Protein change: p.Leu101Val; replaces leucine 101 with valine.
Molecular consequence: missense variant.
Genome position (GRCh38, 1-based): chr16:71,575,961, G>C on the plus strand (C>G on the coding strand, the complement: TAT is on the minus strand). VCF-style: chr16-71575961-G-C. GRCh37 (hg19) VCF-style: chr16-71609864-G-C.
Other names: c.301C>G (NM_000353.2); short protein forms L101V.
Identifiers: ClinVar variation 2082277 (VCV002082277.3), dbSNP rs767160122, ClinGen allele CA8154024.

ClinVar aggregate classification (germline): Uncertain significance. Review status: criteria provided, multiple submitters, no conflicts (2 of 4 stars). 2 submissions from 2 submitters: Uncertain significance (2). Last evaluated 2025-08-24.

Conditions:
Inborn genetic diseases. Identifiers: MedGen C0950123, MeSH D030342.
Tyrosinemia type II (TYRSN2). Also called: TAT DEFICIENCY; TYROSINE AMINOTRANSFERASE DEFICIENCY; TYROSINE TRANSAMINASE DEFICIENCY; KERATOSIS PALMOPLANTARIS WITH CORNEAL DYSTROPHY; OREGON TYPE TYROSINEMIA. Identifiers: Orphanet 28378, MedGen C0268487, MONDO:0010160, OMIM 276600.

Allele frequency attached by ClinVar (database versions not stated): gnomAD exomes 0.00001; gnomAD 0.00003; ExAC 0.00004; TOPMed 0.00004.

Submissions (2):

Ambry Genetics
Classification: Uncertain significance for Inborn genetic diseases. Last evaluated: 2025-08-24. Review status: criteria provided, single submitter. Criteria: Ambry Variant Classification Scheme 2023. Collection method: clinical testing. Allele origin: germline.

Labcorp Genetics (formerly Invitae), Labcorp
Classification: Uncertain significance for Tyrosinemia type II. Last evaluated: 2024-04-30. Review status: criteria provided, single submitter. Criteria: Invitae Variant Classification Sherloc (09022015). Collection method: clinical testing. Allele origin: germline.
Comment: This sequence change replaces leucine, which is neutral and non-polar, with valine, which is neutral and non-polar, at codon 101 of the TAT protein (p.Leu101Val). This variant is present in population databases (rs767160122, gnomAD 0.04%). This variant has not been reported in the literature in individuals affected with TAT-related conditions. ClinVar contains an entry for this variant (Variation ID: 2082277). Advanced modeling of protein sequence and biophysical properties (such as structural, functional, and spatial information, amino acid conservation, physicochemical variation, residue mobility, and thermodynamic stability) performed at Invitae indicates that this missense variant is not expected to disrupt TAT protein function with a negative predictive value of 80%. In summary, the available evidence is currently insufficient to determine the role of this variant in disease. Therefore, it has been classified as a Variant of Uncertain Significance.